The following is an entry in ClinVar:

NM_014629.4(ARHGEF10):c.2697+6A>G

Gene: ARHGEF10 (Rho guanine nucleotide exchange factor 10; plus strand). Cytogenetic location: 8p23.3.
Variant type: single nucleotide variant.
Coding change: c.2697+6A>G on transcript NM_014629.4 (MANE Select); 6 bases into the intron after coding-DNA position 2697, A replaced by G.
Molecular consequence: intron variant.
Genome position (GRCh38, 1-based): chr8:1,926,469, A>G. VCF-style: chr8-1926469-A-G. GRCh37 (hg19) VCF-style: chr8-1874635-A-G.
Other names: c.2580+6A>G (NM_001438092.1, NM_001438093.1); c.2700+6A>G (NM_001438091.1); c.2583+6A>G (NM_001308152.2, NM_001438094.1); c.2697+6A>G (NM_001308153.3).
Identifiers: ClinVar variation 3615279 (VCV003615279.2).
Genomic context (GRCh38, chr8:1,926,469, plus strand): 5'-CCTAAATAATGAAAGCCAGCCAGATTCATTTTCCACGGCACATGGTTTCCTGTGGGTAAG[A>G]TGTGTTTATTTGGTTTTGGTACAAGTTCACAGAGAATCAACGTTCATGGTCGGTGTGATG-3'

ClinVar aggregate classification (germline): Uncertain significance (1 of 4 stars; one submission).

gnomAD v4.1: 16 of 1,612,952 alleles (0.00099%); highest among the groups gnomAD compares: African/African-American, 0.0013%; no homozygotes.

Submission:

Labcorp Genetics (formerly Invitae), Labcorp
Classification: Uncertain significance. Last evaluated: 2024-07-10. Review status: criteria provided, single submitter. Criteria: Invitae Variant Classification Sherloc (09022015). Collection method: clinical testing. Allele origin: germline.
Comment: This sequence change falls in intron 23 of the ARHGEF10 gene. It does not directly change the encoded amino acid sequence of the ARHGEF10 protein. It affects a nucleotide within the consensus splice site. This variant is not present in population databases (gnomAD no frequency). This variant has not been reported in the literature in individuals affected with ARHGEF10-related conditions. Variants that disrupt the consensus splice site are a relatively common cause of aberrant splicing (PMID: 17576681, 9536098). Algorithms developed to predict the effect of sequence changes on RNA splicing suggest that this variant may disrupt the consensus splice site. In summary, the available evidence is currently insufficient to determine the role of this variant in disease. Therefore, it has been classified as a Variant of Uncertain Significance.

Literature cited by the submitters: PubMed 17576681; PubMed 9536098.